The following is an entry in ClinVar:

ClinVar aggregate classification (germline): Uncertain significance (1 of 4 stars; one submission).

Allele frequency attached by ClinVar (database versions not stated): gnomAD exomes below 0.00001.
gnomAD v4.1: 1 of 1,614,202 alleles (0.000062%); highest among the groups gnomAD compares: African/African-American, 0.0013%; no homozygotes.

Submission:

Ambry Genetics
Classification: Uncertain significance. Last evaluated: 2021-12-12. Review status: criteria provided, single submitter. Criteria: Ambry Variant Classification Scheme 2023. Collection method: clinical testing. Allele origin: germline.
Comment: The p.E884G variant (also known as c.2651A>G), located in coding exon 1 of the MLH3 gene, results from an A to G substitution at nucleotide position 2651. The glutamic acid at codon 884 is replaced by glycine, an amino acid with similar properties. This amino acid position is conserved. In addition, the in silico prediction for this alteration is inconclusive. Since supporting evidence is limited at this time, the clinical significance of this alteration remains unclear.

NM_001040108.2(MLH3):c.2651A>G (p.Glu884Gly)

Gene: MLH3 (mutL homolog 3; minus strand). Cytogenetic location: 14q24.3.
Variant type: single nucleotide variant.
Coding change: c.2651A>G on transcript NM_001040108.2 (MANE Select); coding-DNA position 2651, A replaced by G.
Protein change: p.Glu884Gly; replaces glutamic acid 884 with glycine.
Molecular consequence: missense variant.
Genome position (GRCh38, 1-based): chr14:75,047,005, T>C on the plus strand (A>G on the coding strand, the complement: MLH3 is on the minus strand). VCF-style: chr14-75047005-T-C. GRCh37 (hg19) VCF-style: chr14-75513708-T-C.
Other names: c.2651A>G, p.Glu884Gly (NM_014381.3); short protein forms E884G.
Identifiers: ClinVar variation 1794331 (VCV001794331.2), dbSNP rs2503264706, ClinGen allele CA390439221.